The following is an entry in ClinVar:

ClinVar aggregate classification (germline): Uncertain significance (1 of 4 stars; one submission).

Conditions:
Wilms tumor 1 (WT1). Also called: Wilms tumor, somatic. Identifiers: Orphanet 654, MedGen CN033288, MONDO:0008679, OMIM 194070.

Allele frequency attached by ClinVar (database versions not stated): gnomAD exomes below 0.00001; TOPMed 0.00001.
gnomAD v4.1: 1 of 1,193,714 alleles (0.000084%); highest among the groups gnomAD compares: Non-Finnish European, 0.00011%; no homozygotes.

Submission:

Labcorp Genetics (formerly Invitae), Labcorp
Classification: Uncertain significance for Wilms tumor 1. Last evaluated: 2021-07-13. Review status: criteria provided, single submitter. Criteria: Invitae Variant Classification Sherloc (09022015). Collection method: clinical testing. Allele origin: germline.
Comment: In summary, the available evidence is currently insufficient to determine the role of this variant in disease. Therefore, it has been classified as a Variant of Uncertain Significance. Algorithms developed to predict the effect of missense changes on protein structure and function are either unavailable or do not agree on the potential impact of this missense change (SIFT: "Deleterious"; PolyPhen-2: "Benign"; Align-GVGD: "Class C0"). This variant has not been reported in the literature in individuals affected with GPC3-related conditions. This variant is not present in population databases (ExAC no frequency). This sequence change replaces glutamine with leucine at codon 444 of the GPC3 protein (p.Gln444Leu). The glutamine residue is moderately conserved and there is a moderate physicochemical difference between glutamine and leucine.

NM_004484.4(GPC3):c.1331A>T (p.Gln444Leu)

Gene: GPC3 (glypican 3; minus strand). Cytogenetic location: Xq26.2.
Variant type: single nucleotide variant.
Coding change: c.1331A>T on transcript NM_004484.4 (MANE Select); coding-DNA position 1331, A replaced by T.
Protein change: p.Gln444Leu; replaces glutamine 444 with leucine.
Molecular consequence: missense variant.
Genome position (GRCh38, 1-based): chrX:133,661,812, T>A on the plus strand (A>T on the coding strand, the complement: GPC3 is on the minus strand). VCF-style: chrX-133661812-T-A. GRCh37 (hg19) VCF-style: chrX-132795840-T-A.
Other names: c.1400A>T, p.Gln467Leu (NM_001164617.2); c.1283A>T, p.Gln428Leu (NM_001164618.2); c.1169A>T, p.Gln390Leu (NM_001164619.2); short protein forms Q390L, Q467L, Q444L, Q428L.
Identifiers: ClinVar variation 1381136 (VCV001381136.8), dbSNP rs1053066164, ClinGen allele CA335975134.
Genomic context (GRCh38, chrX:133,661,812, plus strand): 5'-TCAATAATTTGACTGACCACTGGCTCAGGGCCCTTCATTTTCAGCTCATGGAGATTGAAC[T>A]GGTTTTTCATTCCATTCCTTGCTGCCTTTTGGCTGTATCTGTAAAGGTGAAGGTAAAGAA-3'
Protein context (NP_004475.1, residues 434-454): QKAARNGMKN[Gln444Leu]FNLHELKMKG